The following is an entry in ClinVar:

ClinVar aggregate classification (germline): Benign. Review status: criteria provided, multiple submitters, no conflicts (2 of 4 stars). 6 submissions from 6 submitters: Benign (4). 2 of the submissions do not count toward it. Last evaluated 2026-06-23.

Conditions:
FGFR3-related chondrodysplasia. Identifiers: Orphanet 93420, MedGen C5681604, MONDO:0019685.

Allele frequency attached by ClinVar (database versions not stated): 1000 Genomes Project 30x 0.01811; TOPMed 0.03776; 1000 Genomes Project 0.01877; ESP Exome Variant Server 0.04252.

Submissions (6):

Genomenon, Inc
Classification: Benign for FGFR3-related chondrodysplasia. Last evaluated: 2026-06-23. Review status: criteria provided, single submitter. Criteria: Genomenon Sequence Variant Interpretation Standards - Updated. Collection method: curation. Allele origin: germline. Affected: no.
Comment: FGFR3 c.1075+30G>C is an intronic variant located in intron 8. This variant is present at high allele frequency in population databases. We classify FGFR3 c.1075+30G>C as a benign variant.

GeneDx
Classification: Benign. Last evaluated: 2018-07-24. Review status: criteria provided, single submitter. Criteria: GeneDx Variant Classification Process June 2021. Collection method: clinical testing. Allele origin: germline. Affected: yes.

Breakthrough Genomics
Classification: Benign. Review status: criteria provided, single submitter. Criteria: ACMG Guidelines, 2015. Collection method: not provided. Allele origin: germline. Inheritance: Autosomal dominant inheritance. Affected: yes.

PreventionGenetics, part of Exact Sciences
Classification: Benign. Review status: criteria provided, single submitter. Criteria: ACMG Guidelines, 2015. Collection method: clinical testing. Allele origin: germline.

Clinical Genetics DNA and cytogenetics Diagnostics Lab, Erasmus MC, Erasmus Medical Center
Classification: Benign. Review status: no assertion criteria provided. Collection method: clinical testing. Allele origin: germline. Affected: yes. Study: VKGL Data-share Consensus. Not counted in ClinVar's aggregate classification.

Joint Genome Diagnostic Labs from Nijmegen and Maastricht, Radboudumc and MUMC+
Classification: Benign. Review status: no assertion criteria provided. Collection method: clinical testing. Allele origin: germline. Affected: yes. Study: VKGL Data-share Consensus. Not counted in ClinVar's aggregate classification.

NM_000142.5(FGFR3):c.1075+30G>C

Gene: FGFR3 (fibroblast growth factor receptor 3; plus strand). Cytogenetic location: 4p16.3.
Variant type: single nucleotide variant.
Coding change: c.1075+30G>C on transcript NM_000142.5 (MANE Select); 30 bases into the intron after coding-DNA position 1075, G replaced by C.
Molecular consequence: intron variant.
Genome position (GRCh38, 1-based): chr4:1,803,866, G>C. VCF-style: chr4-1803866-G-C. GRCh37 (hg19) VCF-style: chr4-1805593-G-C.
Other names: c.1082-464G>C (NM_001163213.2); c.1075+30G>C (NM_001354809.2, NM_001354810.2); c.931-958G>C (NM_022965.4).
Identifiers: ClinVar variation 255322 (VCV000255322.9), dbSNP rs3135886, ClinGen allele CA2810184.
Genomic context (GRCh38, chr4:1,803,866, plus strand): 5'-CATCACTCTGCGTGGCTGGTGGTGCTGCCAGGTACCGGCTTCTGCTGCTGCTGCTGCTCC[G>C]CACTGTCTGGGGGACGCTGGCTCGGGACACGCCAAAGCTGCCAGGACGGACGGGAATCCT-3'